The following is an entry in ClinVar:

ClinVar aggregate classification (germline): Conflicting classifications of pathogenicity. Review status: criteria provided, conflicting classifications (1 of 4 stars). 11 submissions from 11 submitters: Uncertain significance (6); Likely benign (3). 2 of the submissions do not count toward it. Last evaluated 2026-06-08.

Conditions:
PALB2-related disorder. Also called: PALB2-related disorders; PALB2-related condition.
Hereditary cancer-predisposing syndrome. Also called: Neoplastic Syndromes, Hereditary; Tumor predisposition; Hereditary Cancer Syndrome; Hereditary neoplastic syndrome. Identifiers: Orphanet 140162, MedGen C0027672, MeSH D009386, MONDO:0015356.
Familial cancer of breast. Also called: hereditary breast carcinoma; Hereditary breast cancer; BREAST CANCER, FAMILIAL. Identifiers: Orphanet 227535, MedGen C0346153, MONDO:0016419, OMIM 114480. Disease mechanism: loss of function.
Malignant tumor of breast. Also called: Cancer breast; Malignant breast neoplasm. Identifiers: MedGen C0006142, MONDO:0007254. Disease mechanism: loss of function.

Allele frequency attached by ClinVar (database versions not stated): gnomAD exomes 0.00001 and 0.00004; ExAC 0.00007; ESP Exome Variant Server 0.00008; TOPMed 0.00014; gnomAD 0.00016 and 0.00017; 1000 Genomes Project 30x 0.00047; 1000 Genomes Project 0.00060.
gnomAD v4.1: 44 of 1,614,152 alleles (0.0027%); highest among the groups gnomAD compares: African/African-American, 0.051%; no homozygotes.

Submissions (11):

PreventionGenetics, part of Exact Sciences
Classification: Uncertain significance for PALB2-related condition. Last evaluated: 2026-06-08. Review status: criteria provided, single submitter. Criteria: ACMG Guidelines, 2015. Collection method: clinical testing. Allele origin: germline.
Comment: The PALB2 c.1564C>T variant is predicted to result in the amino acid substitution p.Pro522Ser. This variant was reported in individuals with breast cancer (Table A2, Tung et al. 2016. PubMed ID: 26976419; Breast Cancer Association Consortium et al. 2021. PubMed ID: 33471991; Lerner-Ellis et al. 2020. PubMed ID: 32885271﻿). This variant is reported in 0.052% of alleles in individuals of African descent in gnomAD and has conflicting interpretations of pathogenicity in ClinVar ranging from likely benign to uncertain (Variation ID: 128120). Although we suspect this variant may be benign, the clinical significance of this variant is uncertain due to the absence of conclusive functional and genetic evidence.

Women's Health and Genetics/Laboratory Corporation of America, LabCorp
Classification: Uncertain significance. Last evaluated: 2026-05-18. Review status: criteria provided, single submitter. Criteria: LabCorp Variant Classification Summary - May 2015. Collection method: clinical testing. Allele origin: germline.
Comment: Variant summary: PALB2 c.1564C>T (p.Pro522Ser) results in a non-conservative amino acid change in the encoded protein sequence. Algorithms developed to predict the effect of missense changes on protein structure and function are either unavailable or do not agree on the potential impact of this missense change. The variant allele was found at a frequency of 5.3e-05 in 282888 control chromosomes, predominantly at a frequency of 0.00052 within the African or African-American subpopulation in the gnomAD database. The observed variant frequency within African or African-American control individuals in the gnomAD database is approximately 2 - fold of the estimated maximal expected allele frequency for a pathogenic variant in PALB2 causing Fanconi Anemia Type N phenotype (0.00028). c.1564C>T has been reported in the literature as a VUS in settings of multigene panel testing in individuals affected with breast cancer (example, Lovejoy_2018, Tung_2016). These report(s) do not provide unequivocal conclusions about association of the variant with Fanconi Anemia Type N. To our knowledge, no experimental evidence demonstrating an impact on protein function has been reported. ClinVar contains an entry for this variant (Variation ID: 128120). Based on the evidence outlined above, the variant was classified as VUS-possibly benign.

Labcorp Genetics (formerly Invitae), Labcorp
Classification: Uncertain significance for Familial cancer of breast. Last evaluated: 2025-12-20. Review status: criteria provided, single submitter. Criteria: Invitae Variant Classification Sherloc (09022015). Collection method: clinical testing. Allele origin: germline.
Comment: This sequence change replaces proline, which is neutral and non-polar, with serine, which is neutral and polar, at codon 522 of the PALB2 protein (p.Pro522Ser). This variant is present in population databases (rs373876101, gnomAD 0.05%). This missense change has been observed in individual(s) with breast cancer (PMID: 26976419, 32885271). ClinVar contains an entry for this variant (Variation ID: 128120). Invitae Evidence Modeling of protein sequence and biophysical properties (such as structural, functional, and spatial information, amino acid conservation, physicochemical variation, residue mobility, and thermodynamic stability) indicates that this missense variant is not expected to disrupt PALB2 protein function with a negative predictive value of 80%. In summary, the available evidence is currently insufficient to determine the role of this variant in disease. Therefore, it has been classified as a Variant of Uncertain Significance.

GeneDx
Classification: Uncertain significance. Last evaluated: 2024-02-13. Review status: criteria provided, single submitter. Criteria: GeneDx Variant Classification Process June 2021. Collection method: clinical testing. Allele origin: germline. Affected: yes.
Comment: In silico analysis supports that this missense variant does not alter protein structure/function; This variant is associated with the following publications: (PMID: 26343386, 33471991, 26976419)

Quest Diagnostics Nichols Institute San Juan Capistrano
Classification: Uncertain significance. Last evaluated: 2024-02-06. Review status: criteria provided, single submitter. Criteria: Quest Diagnostics criteria. Collection method: clinical testing. Allele origin: unknown.
Comment: The PALB2 c.1564C>T (p.Pro522Ser) variant has been reported in the published literature in in individuals with breast cancer (PMID: 26976419 (2016), 32885271 (2021), 33471991 (2021), see also LOVD). The frequency of this variant in the general population, 0.00052 (13/24964 chromosomes (Genome Aggregation Database)), is uninformative in the assessment of its pathogenicity. Analysis of this variant using bioinformatics tools for the prediction of the effect of amino acid changes on protein structure and function yielded predictions that this variant is benign. Based on the available information, we are unable to determine the clinical significance of this variant.

Myriad Genetics, Inc.
Classification: Likely benign for Familial cancer of breast. Last evaluated: 2023-03-31. Review status: criteria provided, single submitter. Criteria: Myriad Autosomal Dominant, Autosomal Recessive and X-Linked Classification Criteria (2023). Collection method: clinical testing. Allele origin: unknown.
Comment: This variant is considered likely benign. This variant is strongly associated with less severe personal and family histories of cancer, typical for individuals without pathogenic variants in this gene [PMID: 25085752].

Ambry Genetics
Classification: Likely benign for Hereditary cancer-predisposing syndrome. Last evaluated: 2022-10-12. Review status: criteria provided, single submitter. Criteria: Ambry Variant Classification Scheme 2023. Collection method: clinical testing. Allele origin: germline.

Sema4
Classification: Uncertain significance for Hereditary cancer-predisposing syndrome. Last evaluated: 2022-03-09. Review status: criteria provided, single submitter. Criteria: Sema4 Curation Guidelines. Collection method: curation. Allele origin: germline.
Comment: The PALB2 c.1564C>T (p.P522S) variant has been reported in several individuals with breast cancer (PMID: 26976419, 33471991). It was observed in 13/24964 chromosomes of the African/African American subpopulation in the large and broad cohorts of the Genome Aggregation Database (PMID: 32461654). This variant has been reported in ClinVar (Variation ID 128120). In silico tools suggest the impact of the variant on protein function is benign, though these predictions have not been confirmed by functional studies. The evidence is insufficient to meet ACMG/AMP criteria for classifying the variant as benign or pathogenic. Thus, the clinical significance of this variant is currently uncertain.

Color Diagnostics, LLC DBA Color Health
Classification: Likely benign for Hereditary cancer-predisposing syndrome. Last evaluated: 2016-05-02. Review status: criteria provided, single submitter. Criteria: ACMG Guidelines, 2015. Collection method: clinical testing. Allele origin: germline.

Counsyl
Classification: Uncertain significance for Familial cancer of breast. Last evaluated: 2016-04-22. Review status: no assertion criteria provided. Collection method: clinical testing. Allele origin: unknown. Not counted in ClinVar's aggregate classification.

Department of Pathology and Laboratory Medicine, Sinai Health System
Classification: Uncertain significance for Malignant tumor of breast. Review status: no assertion criteria provided. Collection method: clinical testing. Allele origin: unknown. Affected: yes. Observed: 1 variant allele. Study: The Canadian Open Genetics Repository (COGR). Not counted in ClinVar's aggregate classification.
Comment: The PALB2 p.Pro522Ser variant was identified in 1 of 976 proband chromosomes (frequency: 0.001) from individuals or families with breast cancer (Tung 2016). The variant was also identified in dbSNP (ID: rs373876101) as "With Uncertain significance allele", and in ClinVar (classified as uncertain significance by GeneDx, Invitae, Counsyl, Ambry Genetics). The variant was not identified in Cosmic, LOVD 3.0, or Zhejiang University databases. The variant was identified in control databases in 15 of 277242 chromosomes at a frequency of 0.00005 (Genome Aggregation Database Feb 27, 2017). The variant was observed in the following populations: African in 13 of 24026 chromosomes (freq: 0.0005), Latino in 1 of 34418 chromosomes (freq: 0.00003), European in 1 of 126736 chromosomes (freq: 0.000008), while the variant was not observed in the Other, Ashkenazi Jewish, East Asian, Finnish, and South Asian populations. The p.Pro522 residue is not conserved in mammals and four out of five computational analyses (PolyPhen-2, SIFT, AlignGVGD, BLOSUM, MutationTaster) do not suggest a high likelihood of impact to the protein; however, this information is not predictive enough to rule out pathogenicity. The variant occurs outside of the splicing consensus sequence and in silico or computational prediction software programs (SpliceSiteFinder, MaxEntScan, NNSPLICE, GeneSplicer) do not predict a difference in splicing. In summary, based on the above information the clinical significance of this variant cannot be determined with certainty at this time. This variant is classified as a variant of uncertain significance.

Literature cited by the submitters: PubMed 26976419 (cited by 6 submitters); PubMed 32885271 (cited by Labcorp Genetics (formerly Invitae), Labcorp and Quest Diagnostics Nichols Institute San Juan Capistrano); PubMed 33471991 (cited by Quest Diagnostics Nichols Institute San Juan Capistrano and Sema4); PubMed 25085752 (cited by Myriad Genetics, Inc.).

NM_024675.4(PALB2):c.1564C>T (p.Pro522Ser)

Gene: PALB2 (partner and localizer of BRCA2; minus strand). Cytogenetic location: 16p12.2.
Variant type: single nucleotide variant.
Coding change: c.1564C>T on transcript NM_024675.4 (MANE Select); coding-DNA position 1564, C replaced by T.
Protein change: p.Pro522Ser; replaces proline 522 with serine.
Molecular consequence: missense variant.
Genome position (GRCh38, 1-based): chr16:23,634,982, G>A on the plus strand (C>T on the coding strand, the complement: PALB2 is on the minus strand). VCF-style: chr16-23634982-G-A. GRCh37 (hg19) VCF-style: chr16-23646303-G-A.
Other names: p.P522S:CCA>TCA; short protein forms P522S.
Identifiers: ClinVar variation 128120 (VCV000128120.34), dbSNP rs373876101, ClinGen allele CA288407.